The following is an entry in ClinVar:

NM_001256715.2(DNAAF3):c.172C>G (p.Arg58Gly)

Genes: DNAAF3 (dynein axonemal assembly factor 3; minus strand), DNAAF3-AS1 (DNAAF3 antisense RNA 1; plus strand). Cytogenetic location: 19q13.42.
Variant type: single nucleotide variant.
Coding change: c.172C>G on transcript NM_001256715.2 (MANE Select); coding-DNA position 172, C replaced by G.
Protein change: p.Arg58Gly; replaces arginine 58 with glycine.
Molecular consequence: missense variant. On other transcripts: 5 prime UTR variant (1).
Genome position (GRCh38, 1-based): chr19:55,165,914, G>C on the plus strand (C>G on the coding strand, the complement: DNAAF3 is on the minus strand). VCF-style: chr19-55165914-G-C. GRCh37 (hg19) VCF-style: chr19-55677282-G-C.
Other names: c.376C>G, p.Arg126Gly (NM_001256714.1); c.-67C>G (NM_001256716.2); c.313C>G, p.Arg105Gly (NM_178837.4); short protein forms R126G, R105G, R58G.
Identifiers: ClinVar variation 1486029 (VCV001486029.6), dbSNP rs1205985038, ClinGen allele CA407461410.
Genomic context (GRCh38, chr19:55,165,914, plus strand): 5'-TCACGTTGAACCTCCTGCGAGGCCAGAACTTCGCTCGGGACAGGGTCCGCAGCAGGTGCC[G>C]TCCATCCACAGAGCCCAGAAGCAGCACATCTAGCTCGGGGTTGCTGTGCACTGTATCGGC-3'
Protein context (NP_001243644.1, residues 48-68): DVLLLGSVDG[Arg58Gly]HLLRTLSRAK

ClinVar aggregate classification (germline): Uncertain significance (1 of 4 stars; one submission).

Conditions:
Primary ciliary dyskinesia. Also called: Ciliary dyskinesia. Identifiers: Orphanet 244, MedGen C0008780, MONDO:0016575, HP:0012265.

gnomAD v4.1: 1 of 1,614,162 alleles (0.000062%); no homozygotes.

Submission:

Labcorp Genetics (formerly Invitae), Labcorp
Classification: Uncertain significance for Primary ciliary dyskinesia. Last evaluated: 2023-08-04. Review status: criteria provided, single submitter. Criteria: Invitae Variant Classification Sherloc (09022015). Collection method: clinical testing. Allele origin: germline.
Comment: In summary, the available evidence is currently insufficient to determine the role of this variant in disease. Therefore, it has been classified as a Variant of Uncertain Significance. Advanced modeling of protein sequence and biophysical properties (such as structural, functional, and spatial information, amino acid conservation, physicochemical variation, residue mobility, and thermodynamic stability) performed at Invitae indicates that this missense variant is not expected to disrupt DNAAF3 protein function. This sequence change replaces arginine, which is basic and polar, with glycine, which is neutral and non-polar, at codon 126 of the DNAAF3 protein (p.Arg126Gly). This variant is not present in population databases (gnomAD no frequency). This variant has not been reported in the literature in individuals affected with DNAAF3-related conditions. ClinVar contains an entry for this variant (Variation ID: 1486029).